The following is an entry in ClinVar:

ClinVar aggregate classification (germline): Uncertain significance (1 of 4 stars; one submission).

Conditions:
Ullrich congenital muscular dystrophy 2 (UCMD2). Identifiers: Orphanet 75840, MedGen C4225314, MONDO:0014654, OMIM 616470.
Bethlem myopathy 2 (BTHLM2). Identifiers: Orphanet 536516, Orphanet 610, MedGen C4225313, MONDO:0034022, OMIM 616471.

Submission:

Labcorp Genetics (formerly Invitae), Labcorp
Classification: Uncertain significance for Bethlem myopathy 2; Ullrich congenital muscular dystrophy 2. Last evaluated: 2023-02-14. Review status: criteria provided, single submitter. Criteria: Invitae Variant Classification Sherloc (09022015). Collection method: clinical testing. Allele origin: germline.
Comment: This variant is not present in population databases (gnomAD no frequency). This sequence change replaces alanine, which is neutral and non-polar, with valine, which is neutral and non-polar, at codon 1657 of the COL12A1 protein (p.Ala1657Val). This variant has not been reported in the literature in individuals affected with COL12A1-related conditions. Advanced modeling of protein sequence and biophysical properties (such as structural, functional, and spatial information, amino acid conservation, physicochemical variation, residue mobility, and thermodynamic stability) has been performed at Invitae for this missense variant, however the output from this modeling did not meet the statistical confidence thresholds required to predict the impact of this variant on COL12A1 protein function. In summary, the available evidence is currently insufficient to determine the role of this variant in disease. Therefore, it has been classified as a Variant of Uncertain Significance.

NM_004370.6(COL12A1):c.4970C>T (p.Ala1657Val)

Gene: COL12A1 (collagen type XII alpha 1 chain; minus strand). Cytogenetic location: 6q13.
Variant type: single nucleotide variant.
Coding change: c.4970C>T on transcript NM_004370.6 (MANE Select); coding-DNA position 4970, C replaced by T.
Protein change: p.Ala1657Val; replaces alanine 1657 with valine.
Molecular consequence: missense variant.
Genome position (GRCh38, 1-based): chr6:75,138,949, G>A on the plus strand (C>T on the coding strand, the complement: COL12A1 is on the minus strand). VCF-style: chr6-75138949-G-A. GRCh37 (hg19) VCF-style: chr6-75848665-G-A.
Other names: c.4970C>T, p.Ala1657Val (NM_001424113.1, NM_001424114.1); c.4697C>T, p.Ala1566Val (NM_001424115.1); c.1478C>T, p.Ala493Val (NM_001424116.1, NM_080645.3); short protein forms A1566V, A1657V, A493V.
Identifiers: ClinVar variation 2928358 (VCV002928358.3), dbSNP rs1766760179, ClinGen allele CA364740059.
Genomic context (GRCh38, chr6:75,138,949, plus strand): 5'-TGATCCCAAGTCCCTCTGAAACCCTCTGATGTTACTTCAGTAATCTTTAAGTTTGTTGGG[G>A]CTGGCACGGGTCCTATCATGAGAAAAGGCAAGCAGACTAAGTTTTTGAATGTGAGCTGCA-3'
Protein context (NP_004361.3, residues 1647-1667): TAQETTRPVP[Ala1657Val]PTNLKITEVT